The following is an entry in ClinVar:

NM_000742.4(CHRNA2):c.1432_1438del (p.Asp478fs)

Gene: CHRNA2 (cholinergic receptor nicotinic alpha 2 subunit; minus strand). Cytogenetic location: 8p21.2.
Variant type: Deletion.
Coding change: c.1432_1438del on transcript NM_000742.4 (MANE Select); coding-DNA positions 1432 to 1438, 7 bases deleted (GACCACC; older notation c.1432_1438delGACCACC).
Protein change: p.Asp478fs; shifts the reading frame from aspartic acid 478.
Molecular consequence: frameshift variant.
Genome position (GRCh38, 1-based): chr8:27,463,005-27,463,011, GGTGGTC deleted on the plus strand (GACCACC on the coding strand, the reverse complement: CHRNA2 is on the minus strand); deleting any 7 consecutive bases within chr8:27,463,005-27,463,013 gives the same sequence; the c. name uses the placement nearest the transcript's 3' end. VCF-style (leftmost placement, unchanged base first): chr8-27463004-AGGTGGTC-A. GRCh37 (hg19) VCF-style: chr8-27320521-AGGTGGTC-A.
Other names: c.1387_1393del, p.Asp463fs (NM_001282455.2); c.955_961del, p.Asp319fs (NM_001347705.2, NM_001347706.2); c.838_844del, p.Asp280fs (NM_001347707.2, NM_001347708.2); short protein forms D280fs, D319fs, D463fs, D478fs.
Identifiers: ClinVar variation 4083057 (VCV004083057.1).

ClinVar aggregate classification (germline): Uncertain significance (1 of 4 stars; one submission).

Submission:

GeneDx
Classification: Uncertain significance. Last evaluated: 2025-03-14. Review status: criteria provided, single submitter. Criteria: GeneDx Variant Classification Process June 2021. Collection method: clinical testing. Allele origin: germline. Affected: yes.
Comment: Not observed at significant frequency in large population cohorts (gnomAD); Frameshift variant predicted to result in abnormal protein length as the last 52 amino acids are replaced with 9 different amino acids; Has not been previously published as pathogenic or benign to our knowledge